The following is an entry in ClinVar:

ClinVar aggregate classification (germline): Pathogenic (1 of 4 stars; one submission).

Conditions:
Inborn genetic diseases. Identifiers: MedGen C0950123, MeSH D030342.

Submission:

Ambry Genetics
Classification: Pathogenic for Inborn genetic diseases. Last evaluated: 2023-11-29. Review status: criteria provided, single submitter. Criteria: Ambry Variant Classification Scheme 2023. Collection method: clinical testing. Allele origin: germline.
Comment: The c.670_691del22 (p.L224Cfs*59) alteration, located in exon 5 (coding exon 5) of the PKD1 gene, consists of a deletion of 22 nucleotides from position 670 to 691, causing a translational frameshift with a predicted alternate stop codon after 59 amino acids. This alteration is expected to result in loss of function by premature protein truncation or nonsense-mediated mRNA decay. This variant was not reported in population-based cohorts in the Genome Aggregation Database (gnomAD). Based on the available evidence, this alteration is classified as pathogenic.

NM_001009944.3(PKD1):c.670_691del (p.Leu224fs)

Gene: PKD1 (polycystin 1, transient receptor potential channel interacting; minus strand). Cytogenetic location: 16p13.3.
Variant type: Deletion.
Coding change: c.670_691del on transcript NM_001009944.3 (MANE Select); coding-DNA positions 670 to 691, 22 bases deleted (CTCTCGGAGCAGGGCTGGTGCC).
Protein change: p.Leu224fs; shifts the reading frame from leucine 224.
Molecular consequence: frameshift variant.
Genome position (GRCh38, 1-based): chr16:2,118,301-2,118,322, GGCACCAGCCCTGCTCCGAGAG deleted on the plus strand (CTCTCGGAGCAGGGCTGGTGCC on the coding strand, the reverse complement: PKD1 is on the minus strand); deleting any 22 consecutive bases within chr16:2,118,301-2,118,325 gives the same sequence; the c. name uses the placement nearest the transcript's 3' end. VCF-style (leftmost placement, unchanged base first): chr16-2118300-AGGCACCAGCCCTGCTCCGAGAG-A. GRCh37 (hg19) VCF-style: chr16-2168301-AGGCACCAGCCCTGCTCCGAGAG-A.
Other names: c.670_691del, p.Leu224fs (NM_000296.4); short protein forms L224fs.
Identifiers: ClinVar variation 3213498 (VCV003213498.1), dbSNP rs2544880323, ClinGen allele CA2825002379.
Genomic context (GRCh38, chr16:2,118,300, plus strand): 5'-GGGCCGGAGCAGAGGGACAGGCAGGCAAAGGAGGCACTGGAGGGCTGGGCCGCCCCACAC[AGGCACCAGCCCTGCTCCGAGAG>A]GGCTGCGAGGCCCTGGCCGGTGGAGAAGCAGAAGGCGCTGCAGGCCTCTGGCTGAAGCAG-3'